The following is an entry in ClinVar:

ClinVar aggregate classification (germline): Uncertain significance (1 of 4 stars; one submission).

Submission:

Labcorp Genetics (formerly Invitae), Labcorp
Classification: Uncertain significance. Last evaluated: 2024-10-28. Review status: criteria provided, single submitter. Criteria: Invitae Variant Classification Sherloc (09022015). Collection method: clinical testing. Allele origin: germline.
Comment: This sequence change replaces glycine, which is neutral and non-polar, with alanine, which is neutral and non-polar, at codon 2231 of the MYO15A protein (p.Gly2231Ala). This variant is present in population databases (no rsID available, gnomAD 0.01%). This missense change has been observed in individual(s) with non-syndromic deafness (PMID: 23767834). Experimental studies and prediction algorithms are not available or were not evaluated, and the functional significance of this variant is currently unknown. In summary, the available evidence is currently insufficient to determine the role of this variant in disease. Therefore, it has been classified as a Variant of Uncertain Significance.

Literature cited by the submitters: PubMed 23767834.

NM_016239.4(MYO15A):c.6692G>C (p.Gly2231Ala)

Gene: MYO15A (myosin XVA; plus strand). Cytogenetic location: 17p11.2.
Variant type: single nucleotide variant.
Coding change: c.6692G>C on transcript NM_016239.4 (MANE Select); coding-DNA position 6692, G replaced by C.
Protein change: p.Gly2231Ala; replaces glycine 2231 with alanine.
Molecular consequence: missense variant.
Genome position (GRCh38, 1-based): chr17:18,148,496, G>C. VCF-style: chr17-18148496-G-C. GRCh37 (hg19) VCF-style: chr17-18051810-G-C.
Other names: short protein forms G2231A.
Identifiers: ClinVar variation 3722530 (VCV003722530.2).
Genomic context (GRCh38, chr17:18,148,496, plus strand): 5'-AGGCACAGCCAAACTGGACTCAGATGCTCCAACCTGAGCCCGGCACCTGCTGCGCCCCAG[G>C]TGACCAGTTCTCCTGCCCGGTGCACTCCTGGAGTACGGGGGAAGAGGTGGCTGGAGACAT-3'
Protein context (NP_057323.3, residues 2221-2241): SMALDVGCFN[Gly2231Ala]DQFSCPVHSW